The following is an entry in ClinVar:

ClinVar aggregate classification (germline): Pathogenic (1 of 4 stars; one submission).

Submission:

Labcorp Genetics (formerly Invitae), Labcorp
Classification: Pathogenic. Last evaluated: 2022-05-29. Review status: criteria provided, single submitter. Criteria: Invitae Variant Classification Sherloc (09022015). Collection method: clinical testing. Allele origin: germline.
Comment: For these reasons, this variant has been classified as Pathogenic. This variant has not been reported in the literature in individuals affected with RARS2-related conditions. This variant is not present in population databases (gnomAD no frequency). This sequence change creates a premature translational stop signal (p.Ser270*) in the RARS2 gene. It is expected to result in an absent or disrupted protein product. Loss-of-function variants in RARS2 are known to be pathogenic (PMID: 17847012, 22569581, 26083569).

Literature cited by the submitters: PubMed 17847012; PubMed 22569581; PubMed 26083569.

NM_020320.5(RARS2):c.809C>G (p.Ser270Ter)

Gene: RARS2 (arginyl-tRNA synthetase 2, mitochondrial; minus strand). Cytogenetic location: 6q15.
Variant type: single nucleotide variant.
Coding change: c.809C>G on transcript NM_020320.5 (MANE Select); coding-DNA position 809, C replaced by G.
Protein change: p.Ser270Ter; replaces serine 270 with a stop codon.
Molecular consequence: nonsense. On other transcripts: non-coding transcript variant (23).
Genome position (GRCh38, 1-based): chr6:87,529,611, G>C on the plus strand (C>G on the coding strand, the complement: RARS2 is on the minus strand). VCF-style: chr6-87529611-G-C. GRCh37 (hg19) VCF-style: chr6-88239329-G-C.
Other names: c.284C>G, p.Ser95Ter (NM_001318785.2, NM_001350506.2, NM_001350507.2 and 4 more transcripts); c.809C>G, p.Ser270Ter (NM_001350505.2); short protein forms S95*, S270*.
Identifiers: ClinVar variation 1995416 (VCV001995416.4), dbSNP rs1776810581, ClinGen allele CA364928780.